The following is an entry in ClinVar:

NM_004563.4(PCK2):c.1831C>T (p.Arg611Trp)

Genes: NRL (neural retina leucine zipper; minus strand), PCK2 (phosphoenolpyruvate carboxykinase 2, mitochondrial; plus strand). Cytogenetic location: 14q12.
Variant type: single nucleotide variant.
Coding change: c.1831C>T on transcript NM_004563.4 (MANE Select); coding-DNA position 1831, C replaced by T.
Protein change: p.Arg611Trp; replaces arginine 611 with tryptophan.
Molecular consequence: missense variant. On other transcripts: intron variant (3).
Genome position (GRCh38, 1-based): chr14:24,103,872, C>T. VCF-style: chr14-24103872-C-T. GRCh37 (hg19) VCF-style: chr14-24573081-C-T.
Other names: c.1429C>T, p.Arg477Trp (NM_001291556.2, NM_001308054.2); c.-28+10850G>A (NM_001354768.3, NM_001354770.2); c.-254+10850G>A (NM_006177.5); short protein forms R611W, R477W.
Identifiers: ClinVar variation 2140949 (VCV002140949.5), dbSNP rs757554278, ClinGen allele CA7123646.
Genomic context (GRCh38, chr14:24,103,872, plus strand): 5'-GACACCACTCAGCTGTTCTCCCTCCCCAAGGACTTCTGGGAACAGGAGGTTCGTGACATT[C>T]GGAGCTACCTGACAGAGCAGGTCAACCAGGATCTGCCCAAAGAGGTGTTGGCTGAGCTTG-3'
Protein context (NP_004554.3, residues 601-621): DFWEQEVRDI[Arg611Trp]SYLTEQVNQD

ClinVar aggregate classification (germline): Uncertain significance. Review status: criteria provided, multiple submitters, no conflicts (2 of 4 stars). 2 submissions from 2 submitters: Uncertain significance (2). Last evaluated 2024-05-14.

Allele frequency attached by ClinVar (database versions not stated): TOPMed 0.00003; gnomAD exomes 0.00004; gnomAD 0.00005; ExAC 0.00008.
gnomAD v4.1: 64 of 1,614,122 alleles (0.004%); highest among the groups gnomAD compares: Middle Eastern, 0.082%; no homozygotes.

Submissions (2):

Ambry Genetics
Classification: Uncertain significance. Last evaluated: 2024-05-14. Review status: criteria provided, single submitter. Criteria: Ambry Variant Classification Scheme 2023. Collection method: clinical testing. Allele origin: germline.

Labcorp Genetics (formerly Invitae), Labcorp
Classification: Uncertain significance. Last evaluated: 2022-08-23. Review status: criteria provided, single submitter. Criteria: Invitae Variant Classification Sherloc (09022015). Collection method: clinical testing. Allele origin: germline.
Comment: In summary, the available evidence is currently insufficient to determine the role of this variant in disease. Therefore, it has been classified as a Variant of Uncertain Significance. Algorithms developed to predict the effect of missense changes on protein structure and function are either unavailable or do not agree on the potential impact of this missense change (SIFT: "Deleterious"; PolyPhen-2: "Probably Damaging"; Align-GVGD: "Class C0"). This variant has not been reported in the literature in individuals affected with PCK2-related conditions. This variant is present in population databases (rs757554278, gnomAD 0.05%). This sequence change replaces arginine, which is basic and polar, with tryptophan, which is neutral and slightly polar, at codon 611 of the PCK2 protein (p.Arg611Trp).